The following is an entry in ClinVar:

NM_004793.4(LONP1):c.2082C>T (p.Asp694=)

Gene: LONP1 (lon peptidase 1, mitochondrial; minus strand). Cytogenetic location: 19p13.3.
Variant type: single nucleotide variant.
Coding change: c.2082C>T on transcript NM_004793.4 (MANE Select); coding-DNA position 2082, C replaced by T.
Protein change: p.Asp694=; no amino-acid change (aspartic acid 694 retained).
Molecular consequence: synonymous variant. On other transcripts: non-coding transcript variant (1).
Genome position (GRCh38, 1-based): chr19:5,694,833, G>A on the plus strand (C>T on the coding strand, the complement: LONP1 is on the minus strand). VCF-style: chr19-5694833-G-A. GRCh37 (hg19) VCF-style: chr19-5694844-G-A.
Other names: c.1890C>T, p.Asp630= (NM_001276479.2); c.1494C>T, p.Asp498= (NM_001276480.1).
Identifiers: ClinVar variation 2649122 (VCV002649122.25), dbSNP rs770545248, ClinGen allele CA9114299.
Genomic context (GRCh38, chr19:5,694,833, plus strand): 5'-CTTCTGCAGGTTGCGGACACCGCTCTCGCGGCAGTACTGCTTGATGAGCAGCGTCAGCAC[G>A]TCCGATGACAGCTTGGCCTTGCTCTCATCCAAGCCACACAGGGCGCGAGCCTGGGGCACC-3'
Protein context (NP_004784.2, residues 684-704): LDESKAKLSS[Asp694=]VLTLLIKQYC

ClinVar aggregate classification (germline): Likely benign. Review status: criteria provided, multiple submitters, no conflicts (2 of 4 stars). 2 submissions from 2 submitters: Likely benign (2). Last evaluated 2023-02-09.

Allele frequency attached by ClinVar (database versions not stated): gnomAD exomes 0.00001; ExAC 0.00002; TOPMed 0.00002; gnomAD 0.00003.
gnomAD v4.1: 20 of 1,603,144 alleles (0.0012%); highest among the groups gnomAD compares: Middle Eastern, 0.051%; no homozygotes.

Submissions (2):

Blueprint Genetics
Classification: Likely benign. Last evaluated: 2023-02-09. Review status: criteria provided, single submitter. Criteria: ACMG Guidelines, 2015. Collection method: clinical testing. Allele origin: germline.

CeGaT Center for Human Genetics Tuebingen
Classification: Likely benign. Last evaluated: 2022-10-01. Review status: criteria provided, single submitter. Criteria: CeGaT Center For Human Genetics Tuebingen Variant Classification Criteria Version 2. Collection method: clinical testing. Allele origin: germline. Affected: yes. Observed: 1 variant allele.
Comment: LONP1: BP4, BP7